The following is an entry in ClinVar:

NM_006363.6(SEC23B):c.394_397del (p.Leu132fs)

Genes: SEC23B (SEC23 homolog B, COPII component; plus strand), LOC126862987 (MED14-independent group 3 enhancer GRCh37_chr20:18504796-18505995; plus strand). Cytogenetic location: 20p11.23.
Variant type: Deletion.
Coding change: c.394_397del on transcript NM_006363.6 (MANE Select); coding-DNA positions 394 to 397, 4 bases deleted (CTCT; older notation c.394_397delCTCT).
Protein change: p.Leu132fs; shifts the reading frame from leucine 132.
Molecular consequence: frameshift variant. On other transcripts: intron variant (1).
Genome position (GRCh38, 1-based): chr20:18,524,460-18,524,463, CTCT deleted; deleting any 4 consecutive bases within chr20:18,524,459-18,524,463 gives the same sequence; the c. name uses the placement nearest the transcript's 3' end. VCF-style (leftmost placement, unchanged base first): chr20-18524458-TTCTC-T. GRCh37 (hg19) VCF-style: chr20-18505102-TTCTC-T.
Other names: c.394_397del, p.Leu132fs (NM_001172745.3, NM_032985.6, NM_032986.5); c.367-27_367-24del (NM_001172746.3); short protein forms L132fs.
Identifiers: ClinVar variation 3757308 (VCV003757308.2).
Genomic context (GRCh38, chr20:18,524,458, plus strand): 5'-ATATTGATCATTATGCTGTTTTTCTTTGCCCAAAGCGAGGTGCTCAGTCCCCTCTGATCT[TTCTC>T]TATGTGGTTGACACATGCCTGGAGGAAGATGACCTTCAAGCACTCAAAGAGTCCCTGCAG-3'

ClinVar aggregate classification (germline): Pathogenic (1 of 4 stars; one submission).

Conditions:
Cowden syndrome 7 (CWS7). Identifiers: Orphanet 201, MedGen C4225179, MONDO:0014802, OMIM 616858.
Congenital dyserythropoietic anemia, type II (CDAN2). Also called: DYSERYTHROPOIETIC ANEMIA, HEMPAS TYPE. Identifiers: Orphanet 98873, MedGen C1306589, MONDO:0009134, OMIM 224100.

Submission:

Labcorp Genetics (formerly Invitae), Labcorp
Classification: Pathogenic for Congenital dyserythropoietic anemia, type II; Cowden syndrome 7. Last evaluated: 2024-07-19. Review status: criteria provided, single submitter. Criteria: Invitae Variant Classification Sherloc (09022015). Collection method: clinical testing. Allele origin: germline.
Comment: This sequence change creates a premature translational stop signal (p.Leu132Metfs*23) in the SEC23B gene. It is expected to result in an absent or disrupted protein product. Loss-of-function variants in SEC23B are known to be pathogenic (PMID: 19561605, 25044164). This variant is not present in population databases (gnomAD no frequency). This variant has not been reported in the literature in individuals affected with SEC23B-related conditions. For these reasons, this variant has been classified as Pathogenic.

Literature cited by the submitters: PubMed 19561605; PubMed 25044164.